The following is an entry in ClinVar:

ClinVar aggregate classification (germline): Uncertain significance (1 of 4 stars; one submission).

Conditions:
Generalized epilepsy with febrile seizures plus, type 9 (GEFSP9). Also called: GEFS+, TYPE 9. Identifiers: Orphanet 36387, MedGen C4015395, MONDO:0014517, OMIM 616172.

Submission:

Labcorp Genetics (formerly Invitae), Labcorp
Classification: Uncertain significance for Generalized epilepsy with febrile seizures plus, type 9. Last evaluated: 2023-08-23. Review status: criteria provided, single submitter. Criteria: Invitae Variant Classification Sherloc (09022015). Collection method: clinical testing. Allele origin: germline.
Comment: This sequence change replaces glutamine, which is neutral and polar, with glutamic acid, which is acidic and polar, at codon 6 of the STX1B protein (p.Gln6Glu). This variant is not present in population databases (gnomAD no frequency). This variant has not been reported in the literature in individuals affected with STX1B-related conditions. ClinVar contains an entry for this variant (Variation ID: 1004542). An algorithm developed to predict the effect of missense changes on protein structure and function (PolyPhen-2) suggests that this variant is likely to be tolerated. In summary, the available evidence is currently insufficient to determine the role of this variant in disease. Therefore, it has been classified as a Variant of Uncertain Significance.

NM_052874.5(STX1B):c.16C>G (p.Gln6Glu)

Gene: STX1B (syntaxin 1B; minus strand). Cytogenetic location: 16p11.2.
Variant type: single nucleotide variant.
Coding change: c.16C>G on transcript NM_052874.5 (MANE Select); coding-DNA position 16, C replaced by G.
Protein change: p.Gln6Glu; replaces glutamine 6 with glutamic acid.
Molecular consequence: missense variant.
Genome position (GRCh38, 1-based): chr16:31,010,381, G>C on the plus strand (C>G on the coding strand, the complement: STX1B is on the minus strand). VCF-style: chr16-31010381-G-C. GRCh37 (hg19) VCF-style: chr16-31021702-G-C.
Other names: short protein forms Q6E.
Identifiers: ClinVar variation 1004542 (VCV001004542.10), dbSNP rs2056675258, ClinGen allele CA395654096.